The following is an entry in ClinVar:

NM_213599.3(ANO5):c.1215A>G (p.Gln405=)

Gene: ANO5 (anoctamin 5; plus strand). Cytogenetic location: 11p14.3.
Variant type: single nucleotide variant.
Coding change: c.1215A>G on transcript NM_213599.3 (MANE Select); coding-DNA position 1215, A replaced by G.
Protein change: p.Gln405=; no amino-acid change (glutamine 405 retained).
Molecular consequence: synonymous variant.
Genome position (GRCh38, 1-based): chr11:22,255,405, A>G. VCF-style: chr11-22255405-A-G. GRCh37 (hg19) VCF-style: chr11-22276951-A-G.
Other names: NM_213599.3(ANO5):c.1215A>G; p.Gln405=; c.1212A>G, p.Gln404= (NM_001142649.2).
Identifiers: ClinVar variation 1600850 (VCV001600850.9), dbSNP rs751839118, ClinGen allele CA5923182.
Genomic context (GRCh38, chr11:22,255,405, plus strand): 5'-TTTTTTATATATTTATTTACCTATAGTCACCTTATTTTTGGAGTTTTGGAAACAACGACA[A>G]GCCAGACTGGAATATGAATGGGACCTGGTGGACTTTGAAGAGGAACAGCAGCAGCTTCAG-3'
Protein context (NP_998764.1, residues 395-415): TLFLEFWKQR[Gln405=]ARLEYEWDLV

ClinVar aggregate classification (germline): Likely benign. Review status: reviewed by expert panel (3 of 4 stars). 2 submissions from 2 submitters: Likely benign (1). 1 of the submissions does not count toward it. Last evaluated 2025-01-09.

Conditions:
Gnathodiaphyseal dysplasia (GDD). Also called: GNATHODIAPHYSEAL SCLEROSIS; OSTEOGENESIS IMPERFECTA WITH UNUSUAL SKELETAL LESIONS. Identifiers: Orphanet 53697, MedGen C1833736, MONDO:0008151, OMIM 166260.
Autosomal recessive limb-girdle muscular dystrophy type 2L (LGMDR12). Also called: Limb-Girdle Muscular Dystrophy R12 Anoctamin-5-Related (LGMD-R12); Limb-girdle muscular dystrophy, type 2L; MUSCULAR DYSTROPHY, LIMB-GIRDLE, AUTOSOMAL RECESSIVE 12. Identifiers: Orphanet 206549, MedGen C1969785, MONDO:0012652, OMIM 611307.
Autosomal recessive limb-girdle muscular dystrophy. Identifiers: Orphanet 102015, MedGen C2931907, MONDO:0015152.

Allele frequency attached by ClinVar (database versions not stated): gnomAD 0.00005 and 0.00006; TOPMed 0.00010; gnomAD exomes 0.00011 and 0.00026; ExAC 0.00022.
gnomAD v4.1: 77 of 1,611,998 alleles (0.0048%); highest among the groups gnomAD compares: Admixed American, 0.12%; no homozygotes.

Submissions (2):

ClinGen Limb Girdle Muscular Dystrophy Variant Curation Expert Panel, ClinGen
Classification: Likely benign for Autosomal recessive limb-girdle muscular dystrophy. Last evaluated: 2025-01-09. Review status: reviewed by expert panel. Criteria: ClinGen LGMD VCEP ACMG Specifications ANO5 V1.0.0. Collection method: curation. Allele origin: germline. Inheritance: Autosomal recessive inheritance.
Comment: The NM_213599.3: c.1215A>G variant in ANO5 is a synonymous (silent) variant (p.Gln405=) that is not located in a splice region. The filtering allele frequency for this variant is 0.001230 for the South Asian population in gnomAD v4.1.0 (the lower threshold of the 95% CI of 94/85460 exome chromosomes), which is greater than the ClinGen LGMD VCEP threshold of 0.001 for BS1, and therefore meets this criterion (BS1). The SpliceAI prediction score for this variant is 0.190, which is greater than the VCEP threshold of 0.05 (BP4, BP7 not met). In summary, this variant meets the criteria to be classified as Likely Benign for autosomal recessive limb girdle muscular dystrophy based on the ACMG/AMP criteria applied, as specified by the LGMD VCEP (LGMD VCEP specifications version 1.0.0; 01/09/2025): BS1.

Labcorp Genetics (formerly Invitae), Labcorp
Classification: Benign for Autosomal recessive limb-girdle muscular dystrophy type 2L; Gnathodiaphyseal dysplasia. Last evaluated: 2026-01-27. Review status: criteria provided, single submitter. Criteria: Invitae Variant Classification Sherloc (09022015). Collection method: clinical testing. Allele origin: germline. Not counted in ClinVar's aggregate classification.